The following is an entry in ClinVar:

NM_000018.4(ACADVL):c.1001del (p.Met334fs)

Gene: ACADVL (acyl-CoA dehydrogenase very long chain; plus strand). Cytogenetic location: 17p13.1.
Variant type: Deletion.
Coding change: c.1001del on transcript NM_000018.4 (MANE Select); coding-DNA position 1001, one base deleted (T; older notation c.1001delT).
Protein change: p.Met334fs; shifts the reading frame from methionine 334.
Molecular consequence: frameshift variant.
Genome position (GRCh38, 1-based): chr17:7,222,789, T deleted. VCF-style (leftmost placement, unchanged base first): chr17-7222788-AT-A. GRCh37 (hg19) VCF-style: chr17-7126107-AT-A.
Other names: c.935del, p.Met312fs (NM_001033859.3); c.1070del, p.Met357fs (NM_001270447.2); c.773del, p.Met258fs (NM_001270448.2); short protein forms M312fs, M258fs, M334fs, M357fs.
Identifiers: ClinVar variation 3689345 (VCV003689345.2).
Genomic context (GRCh38, chr17:7,222,788, plus strand): 5'-GGAGTACGGGTGCCATCGGAGAACGTGCTGGGTGAGGTTGGGAGTGGCTTCAAGGTTGCC[AT>A]GCACATCCTCAACAATGGAAGGTTTGGCATGGCTGCGGCCCTGGCAGGTACCATGAGAGG-3'

ClinVar aggregate classification (germline): Pathogenic (1 of 4 stars; one submission).

Conditions:
Very long chain acyl-CoA dehydrogenase deficiency (ACADVLD). Also called: Very Long-Chain Acyl-Coenzyme A Dehydrogenase Deficiency; VLCAD Deficiency. Identifiers: Orphanet 26793, MedGen C3887523, MONDO:0008723, OMIM 201475.

Submission:

Labcorp Genetics (formerly Invitae), Labcorp
Classification: Pathogenic for Very long chain acyl-CoA dehydrogenase deficiency. Last evaluated: 2024-02-17. Review status: criteria provided, single submitter. Criteria: Invitae Variant Classification Sherloc (09022015). Collection method: clinical testing. Allele origin: germline.
Comment: This sequence change creates a premature translational stop signal (p.Met334Serfs*19) in the ACADVL gene. It is expected to result in an absent or disrupted protein product. Loss-of-function variants in ACADVL are known to be pathogenic (PMID: 9973285, 11590124). This variant is not present in population databases (gnomAD no frequency). This variant has not been reported in the literature in individuals affected with ACADVL-related conditions. For these reasons, this variant has been classified as Pathogenic.

Literature cited by the submitters: PubMed 9973285; PubMed 11590124.